The following is an entry in ClinVar:

ClinVar aggregate classification (germline): Uncertain significance. Review status: criteria provided, multiple submitters, no conflicts (2 of 4 stars). 2 submissions from 2 submitters: Uncertain significance (2). Last evaluated 2025-08-30.

Conditions:
Multiple gastrointestinal atresias. Also called: FAMILIAL INTESTINAL POLYATRESIA SYNDROME; Multiple intestinal atresia. Identifiers: Orphanet 2300, MedGen C0220744, MONDO:0009465.
Inborn genetic diseases. Identifiers: MedGen C0950123, MeSH D030342.

Allele frequency attached by ClinVar (database versions not stated): ExAC 0.00001; gnomAD 0.00001; gnomAD exomes 0.00001; TOPMed 0.00001; ESP Exome Variant Server 0.00008.
gnomAD v4.1: 11 of 1,614,064 alleles (0.00068%); highest among the groups gnomAD compares: Non-Finnish European, 0.00093%; no homozygotes.

Submissions (2):

Ambry Genetics
Classification: Uncertain significance for Inborn genetic diseases. Last evaluated: 2025-08-30. Review status: criteria provided, single submitter. Criteria: Ambry Variant Classification Scheme 2023. Collection method: clinical testing. Allele origin: germline.

Labcorp Genetics (formerly Invitae), Labcorp
Classification: Uncertain significance for Multiple gastrointestinal atresias. Last evaluated: 2022-02-05. Review status: criteria provided, single submitter. Criteria: Invitae Variant Classification Sherloc (09022015). Collection method: clinical testing. Allele origin: germline.
Comment: This sequence change replaces leucine, which is neutral and non-polar, with valine, which is neutral and non-polar, at codon 348 of the TTC7A protein (p.Leu348Val). This variant is present in population databases (rs374367961, gnomAD 0.002%). In summary, the available evidence is currently insufficient to determine the role of this variant in disease. Therefore, it has been classified as a Variant of Uncertain Significance. Algorithms developed to predict the effect of missense changes on protein structure and function are either unavailable or do not agree on the potential impact of this missense change (SIFT: "Deleterious"; PolyPhen-2: "Benign"; Align-GVGD: "Class C0"). This variant has not been reported in the literature in individuals affected with TTC7A-related conditions.

NM_020458.4(TTC7A):c.1042C>G (p.Leu348Val)

Gene: TTC7A (tetratricopeptide repeat domain 7A; plus strand). Cytogenetic location: 2p21.
Variant type: single nucleotide variant.
Coding change: c.1042C>G on transcript NM_020458.4 (MANE Select); coding-DNA position 1042, C replaced by G.
Protein change: p.Leu348Val; replaces leucine 348 with valine.
Molecular consequence: missense variant. On other transcripts: 5 prime UTR variant (1).
Genome position (GRCh38, 1-based): chr2:46,995,176, C>G. VCF-style: chr2-46995176-C-G. GRCh37 (hg19) VCF-style: chr2-47222315-C-G.
Other names: c.1042C>G (NM_020458.2); c.1042C>G, p.Leu348Val (NM_001288951.2); c.940C>G, p.Leu314Val (NM_001288953.2); c.-21C>G (NM_001288955.2); short protein forms L348V, L314V.
Identifiers: ClinVar variation 1425890 (VCV001425890.9), dbSNP rs374367961, ClinGen allele CA1647461.